The following is an entry in ClinVar:

NM_002616.3(PER1):c.2308C>A (p.Pro770Thr)

Gene: PER1 (period circadian regulator 1; minus strand). Cytogenetic location: 17p13.1.
Variant type: single nucleotide variant.
Coding change: c.2308C>A on transcript NM_002616.3 (MANE Select); coding-DNA position 2308, C replaced by A.
Protein change: p.Pro770Thr; replaces proline 770 with threonine.
Molecular consequence: missense variant.
Genome position (GRCh38, 1-based): chr17:8,144,904, G>T on the plus strand (C>A on the coding strand, the complement: PER1 is on the minus strand). VCF-style: chr17-8144904-G-T. GRCh37 (hg19) VCF-style: chr17-8048222-G-T.
Other names: short protein forms P770T.
Identifiers: ClinVar variation 5026474 (VCV005026474.1).

ClinVar aggregate classification (germline): Uncertain significance (1 of 4 stars; one submission).

Submission:

Ambry Genetics
Classification: Uncertain significance. Last evaluated: 2026-06-15. Review status: criteria provided, single submitter. Criteria: Ambry Variant Classification Scheme 2023. Collection method: clinical testing. Allele origin: germline.
Comment: The c.2308C>A (p.P770T) alteration is located in exon 18 (coding exon 17) of the PER1 gene. This alteration results from a C to A substitution at nucleotide position 2308, causing the proline (P) at amino acid position 770 to be replaced by a threonine (T). Based on data from gnomAD, the A allele has an overall frequency of 0.002% (4/188510) total alleles studied. The highest observed frequency was 0.006% (1/16478) of European (Finnish) alleles. Based on insufficient or conflicting evidence, the clinical significance of this alteration remains unclear.